The following is an entry in ClinVar:

ClinVar aggregate classification (germline): Conflicting classifications of pathogenicity. Review status: criteria provided, conflicting classifications (1 of 4 stars). 6 submissions from 4 submitters: Uncertain significance (4); Likely benign (2). Last evaluated 2025-06-23.

Conditions:
Familial Mediterranean fever, autosomal dominant. Also called: Dominant Familial Mediterranean Fever; FMF, AUTOSOMAL DOMINANT. Identifiers: Orphanet 342, MedGen C1851347, MONDO:0007601, OMIM 134610.
Acute febrile neutrophilic dermatosis (AFND). Also called: Sweet Syndrome; Gomm Button disease. Identifiers: Orphanet 3243, MedGen C0085077, MONDO:0011959, OMIM 608068.
Familial Mediterranean fever (FMF). Also called: POLYSEROSITIS, FAMILIAL PAROXYSMAL; POLYSEROSITIS, RECURRENT; Periodic peritonitis; Benign paroxysmal peritonitis. Identifiers: Orphanet 342, MedGen C0031069, MONDO:0018088, OMIM 249100. Disease mechanism: gain of function.

Submissions (6):

Labcorp Genetics (formerly Invitae), Labcorp
Classification: Uncertain significance for Familial Mediterranean fever. Last evaluated: 2025-06-23. Review status: criteria provided, single submitter. Criteria: Invitae Variant Classification Sherloc (09022015). Collection method: clinical testing. Allele origin: germline.
Comment: This sequence change creates a premature translational stop signal (p.Gln146*) in the MEFV gene. It is expected to result in an absent or disrupted protein product. However, the current clinical and genetic evidence is not sufficient to establish whether loss-of-function variants in MEFV cause disease. This variant is not present in population databases (gnomAD no frequency). This variant has not been reported in the literature in individuals affected with MEFV-related conditions. ClinVar contains an entry for this variant (Variation ID: 234352). In summary, the available evidence is currently insufficient to determine the role of this variant in disease. Therefore, it has been classified as a Variant of Uncertain Significance.

Genome-Nilou Lab
Classification: Uncertain significance for Familial Mediterranean fever. Last evaluated: 2023-02-08. Review status: criteria provided, single submitter. Criteria: ACMG Guidelines, 2015. Collection method: clinical testing. Allele origin: germline.

Genome-Nilou Lab
Classification: Likely benign for Familial Mediterranean fever, autosomal dominant. Last evaluated: 2023-02-08. Review status: criteria provided, single submitter. Criteria: ACMG Guidelines, 2015. Collection method: clinical testing. Allele origin: germline.

Genome-Nilou Lab
Classification: Likely benign for Acute febrile neutrophilic dermatosis. Last evaluated: 2023-02-08. Review status: criteria provided, single submitter. Criteria: ACMG Guidelines, 2015. Collection method: clinical testing. Allele origin: germline.

Women's Health and Genetics/Laboratory Corporation of America, LabCorp
Classification: Uncertain significance. Last evaluated: 2018-10-18. Review status: criteria provided, single submitter. Criteria: LabCorp Variant Classification Summary - May 2015. Collection method: clinical testing. Allele origin: germline.
Comment: Variant summary: MEFV c.436C>T (p.Gln146X) results in a premature termination codon, predicted to cause a truncation of the encoded protein or absence of the protein due to nonsense mediated decay, which are commonly known mechanisms for disease. The variant was absent in 233434 control chromosomes (ExAC). To our knowledge, no occurrence of c.436C>T in individuals affected with Familial Mediterranean Fever and no experimental evidence demonstrating its impact on protein function have been reported. However, HGMD cites two nonsense variants, p.Tyr471X and p.Tyr688X, downstream of this variant in affected individuals (Notarnicola_2011, Berdeli_2011). In addition, a ClinVar submssion from a clinical diagnostic laboratory (evaluation after 2014) cites the variant as uncertain significance. Based on the evidence outlined above, and considering that nonsense variants in this gene are very rare, the variant was classified as VUS-possibly pathogenic.

GeneDx
Classification: Uncertain significance. Last evaluated: 2015-02-13. Review status: criteria provided, single submitter. Criteria: GeneDx Variant Classification (06012015). Collection method: clinical testing. Allele origin: germline. Affected: yes.
Comment: The Q146X variant of unknown significance in the MEFV gene is predicted to cause loss of normal protein function either through protein truncation or nonsense-mediated mRNA decay. It was not observed in approximately 6,300 individuals of European and African American ancestry in the NHLBI Exome Sequencing Project, indicating it is not a common benign variant in these populations. However, mutations in the MEFV gene resulting in the creation of a Stop codon are very rare, with only two reported to date (Notarnicola et al., 2001; Berdeli et al., 2011). Therefore, based on the currently available information, it is unclear whether this variant is a pathogenic mutation or a rare benign variant.

Literature cited by the submitters: PubMed 28421071 (cited by Women's Health and Genetics/Laboratory Corporation of America, LabCorp).

NM_000243.3(MEFV):c.436C>T (p.Gln146Ter)

Gene: MEFV (MEFV innate immunity regulator, pyrin; minus strand). Cytogenetic location: 16p13.3.
Variant type: single nucleotide variant.
Coding change: c.436C>T on transcript NM_000243.3 (MANE Select); coding-DNA position 436, C replaced by T.
Protein change: p.Gln146Ter; replaces glutamine 146 with a stop codon.
Molecular consequence: nonsense. On other transcripts: intron variant (1).
Genome position (GRCh38, 1-based): chr16:3,254,632, G>A on the plus strand (C>T on the coding strand, the complement: MEFV is on the minus strand). VCF-style: chr16-3254632-G-A. GRCh37 (hg19) VCF-style: chr16-3304632-G-A.
Other names: c.277+1679C>T (NM_001198536.2); short protein forms Q146*.
Identifiers: ClinVar variation 234352 (VCV000234352.8), dbSNP rs876660990, ClinGen allele CA10577525.